The following is an entry in ClinVar:

NM_001148.6(ANK2):c.5936C>T (p.Ser1979Leu)

Genes: ANK2 (ankyrin 2; plus strand), LOC126807136 (MED14-independent group 3 enhancer GRCh37_chr4:114274931-114276130; plus strand). Cytogenetic location: 4q26.
Variant type: single nucleotide variant.
Coding change: c.5936C>T on transcript NM_001148.6 (MANE Select); coding-DNA position 5936, C replaced by T.
Protein change: p.Ser1979Leu; replaces serine 1979 with leucine.
Molecular consequence: missense variant. On other transcripts: intron variant (68).
Genome position (GRCh38, 1-based): chr4:113,354,554, C>T. VCF-style: chr4-113354554-C-T. GRCh37 (hg19) VCF-style: chr4-114275710-C-T.
Other names: c.5702C>T, p.Ser1901Leu (NM_001386142.1); c.2336C>T, p.Ser779Leu (NM_001386166.1); c.6077C>T, p.Ser2026Leu (NM_001386174.1); c.6053C>T, p.Ser2018Leu (NM_001386175.1); c.4411+4305C>T (NM_001386186.2, NM_001386148.2); c.4213+4305C>T (NM_001354269.3); c.4291+4305C>T (NM_001386187.2); c.4252+4305C>T (NM_001386147.1); and 35 more; short protein forms S1979L, S1901L, S2018L, S2026L, S779L.
Identifiers: ClinVar variation 347327 (VCV000347327.40), dbSNP rs531574502, ClinGen allele CA3051332.

ClinVar aggregate classification (germline): Benign/Likely benign. Review status: criteria provided, multiple submitters, no conflicts (2 of 4 stars). 5 submissions from 5 submitters: Benign (1); Likely benign (4). Last evaluated 2024-11-30.

Conditions:
Cardiovascular phenotype. Identifiers: MedGen CN230736.
Long QT syndrome (LQTS). Identifiers: MedGen C0023976, MeSH D008133, MONDO:0002442. Disease mechanism: loss of function. Inheritance: Various modes of inheritance.
Cardiac arrhythmia, ankyrin-B-related. Also called: ANKYRIN-B SYNDROME. Identifiers: Orphanet 101016, Orphanet 768, MedGen C1970119, MONDO:0010958, OMIM 600919.

Allele frequency attached by ClinVar (database versions not stated): gnomAD 0.00004 and 0.00011; TOPMed 0.00005; gnomAD exomes 0.00025 and 0.00045; ExAC 0.00060; 1000 Genomes Project 0.00080; 1000 Genomes Project 30x 0.00094.
gnomAD v4.1: 372 of 1,614,094 alleles (0.023%); highest among the groups gnomAD compares: South Asian, 0.35%; 9 homozygotes.

Submissions (5):

Labcorp Genetics (formerly Invitae), Labcorp
Classification: Likely benign for Long QT syndrome. Last evaluated: 2024-11-30. Review status: criteria provided, single submitter. Criteria: Invitae Variant Classification Sherloc (09022015). Collection method: clinical testing. Allele origin: germline.

CeGaT Center for Human Genetics Tuebingen
Classification: Benign. Last evaluated: 2022-04-01. Review status: criteria provided, single submitter. Criteria: CeGaT Center For Human Genetics Tuebingen Variant Classification Criteria Version 2. Collection method: clinical testing. Allele origin: germline. Affected: yes. Observed: 1 variant allele.
Comment: ANK2: BS1, BS2

Ambry Genetics
Classification: Likely benign for Cardiovascular phenotype. Last evaluated: 2020-01-07. Review status: criteria provided, single submitter. Criteria: Ambry Variant Classification Scheme 2023. Collection method: clinical testing. Allele origin: germline.

GeneDx
Classification: Likely benign. Last evaluated: 2019-05-23. Review status: criteria provided, single submitter. Criteria: GeneDx Variant Classification Process June 2021. Collection method: clinical testing. Allele origin: germline. Affected: yes.

Illumina Laboratory Services, Illumina
Classification: Likely benign for Cardiac arrhythmia, ankyrin-B-related. Last evaluated: 2018-01-13. Review status: criteria provided, single submitter. Criteria: ICSL Variant Classification Criteria 13 December 2019. Collection method: clinical testing. Allele origin: germline.
Comment: This variant was observed in the ICSL laboratory as part of a predisposition screen in an ostensibly healthy population. It had not been previously curated by ICSL or reported in the Human Gene Mutation Database (HGMD: prior to June 1st, 2018), and was therefore a candidate for classification through an automated scoring system. Utilizing variant allele frequency, disease prevalence and penetrance estimates, and inheritance mode, an automated score was calculated to assess if this variant is too frequent to cause the disease. Based on the score and internal cut-off values, a variant classified as likely benign is not then subjected to further curation. The score for this variant resulted in a classification of likely benign for this disease.